The following is an entry in ClinVar:

ClinVar aggregate classification (germline): Uncertain significance. Review status: criteria provided, single submitter (1 of 4 stars). 2 submissions from 2 submitters: Uncertain significance (1). 1 of the submissions does not count toward it. Last evaluated 2022-07-03.

Conditions:
Glycogen storage disease type III (GSD3). Also called: FORBES DISEASE; Cori disease. Identifiers: Orphanet 366, MedGen C0017922, MONDO:0009291, OMIM 232400.

Allele frequency attached by ClinVar (database versions not stated): gnomAD exomes below 0.00001; gnomAD 0.00001.
gnomAD v4.1: 2 of 1,613,718 alleles (0.00012%); highest among the groups gnomAD compares: Admixed American, 0.0017%; no homozygotes.

Submissions (2):

Labcorp Genetics (formerly Invitae), Labcorp
Classification: Uncertain significance for Glycogen storage disease type III. Last evaluated: 2022-07-03. Review status: criteria provided, single submitter. Criteria: Invitae Variant Classification Sherloc (09022015). Collection method: clinical testing. Allele origin: germline.
Comment: This sequence change replaces glutamic acid, which is acidic and polar, with lysine, which is basic and polar, at codon 30 of the AGL protein (p.Glu30Lys). The frequency data for this variant in the population databases is considered unreliable, as metrics indicate poor data quality at this position in the gnomAD database. This variant has not been reported in the literature in individuals affected with AGL-related conditions. ClinVar contains an entry for this variant (Variation ID: 1055503). Algorithms developed to predict the effect of missense changes on protein structure and function (SIFT, PolyPhen-2, Align-GVGD) all suggest that this variant is likely to be tolerated. In summary, the available evidence is currently insufficient to determine the role of this variant in disease. Therefore, it has been classified as a Variant of Uncertain Significance.

Natera, Inc.
Classification: Uncertain significance for Glycogen storage disease type III. Last evaluated: 2021-06-15. Review status: no assertion criteria provided. Collection method: clinical testing. Allele origin: germline. Not counted in ClinVar's aggregate classification.

NM_000642.3(AGL):c.88G>A (p.Glu30Lys)

Gene: AGL (amylo-alpha-1,6-glucosidase and 4-alpha-glucanotransferase; plus strand). Cytogenetic location: 1p21.2.
Variant type: single nucleotide variant.
Coding change: c.88G>A on transcript NM_000642.3 (MANE Select); coding-DNA position 88, G replaced by A.
Protein change: p.Glu30Lys; replaces glutamic acid 30 with lysine.
Molecular consequence: missense variant.
Genome position (GRCh38, 1-based): chr1:99,861,508, G>A. VCF-style: chr1-99861508-G-A. GRCh37 (hg19) VCF-style: chr1-100327064-G-A.
Other names: c.88G>A, p.Glu30Lys (NM_000028.3, NM_000643.3, NM_000644.3 and 5 more transcripts); c.40G>A, p.Glu14Lys (NM_000646.3); short protein forms E14K, E30K.
Identifiers: ClinVar variation 1055503 (VCV001055503.10), dbSNP rs932386485, ClinGen allele CA27560358.